The following is an entry in ClinVar:

ClinVar aggregate classification (germline): Uncertain significance (1 of 4 stars; one submission).

Allele frequency attached by ClinVar (database versions not stated): gnomAD exomes below 0.00001.
gnomAD v4.1: 1 of 1,614,190 alleles (0.000062%); highest among the groups gnomAD compares: Non-Finnish European, 0.000085%; no homozygotes.

Submission:

Labcorp Genetics (formerly Invitae), Labcorp
Classification: Uncertain significance. Last evaluated: 2025-12-15. Review status: criteria provided, single submitter. Criteria: Invitae Variant Classification Sherloc (09022015). Collection method: clinical testing. Allele origin: germline.
Comment: This sequence change replaces serine, which is neutral and polar, with leucine, which is neutral and non-polar, at codon 1562 of the CEP152 protein (p.Ser1562Leu). This variant is present in population databases (no rsID available, gnomAD 0.0009%). This variant has not been reported in the literature in individuals affected with CEP152-related conditions. ClinVar contains an entry for this variant (Variation ID: 1351828). An algorithm developed to predict the effect of missense changes on protein structure and function outputs the following: PolyPhen-2: "Possibly Damaging". The leucine amino acid residue is found in multiple mammalian species, which suggests that this missense change does not adversely affect protein function. In summary, the available evidence is currently insufficient to determine the role of this variant in disease. Therefore, it has been classified as a Variant of Uncertain Significance.

NM_001194998.2(CEP152):c.4853C>T (p.Ser1618Leu)

Gene: CEP152 (centrosomal protein 152; minus strand). Cytogenetic location: 15q21.1.
Variant type: single nucleotide variant.
Coding change: c.4853C>T on transcript NM_001194998.2 (MANE Select); coding-DNA position 4853, C replaced by T.
Protein change: p.Ser1618Leu; replaces serine 1618 with leucine.
Molecular consequence: missense variant.
Genome position (GRCh38, 1-based): chr15:48,738,529, G>A on the plus strand (C>T on the coding strand, the complement: CEP152 is on the minus strand). VCF-style: chr15-48738529-G-A. GRCh37 (hg19) VCF-style: chr15-49030726-G-A.
Other names: c.4685C>T, p.Ser1562Leu (NM_014985.4); short protein forms S1562L, S1618L.
Identifiers: ClinVar variation 1351828 (VCV001351828.5), dbSNP rs1364323211, ClinGen allele CA392333312.